The following is an entry in ClinVar:

ClinVar aggregate classification (germline): Uncertain significance (1 of 4 stars; one submission).

gnomAD v4.1: 3 of 1,614,030 alleles (0.00019%); highest among the groups gnomAD compares: Admixed American, 0.0033%; no homozygotes.

Submission:

Labcorp Genetics (formerly Invitae), Labcorp
Classification: Uncertain significance. Last evaluated: 2024-11-21. Review status: criteria provided, single submitter. Criteria: Invitae Variant Classification Sherloc (09022015). Collection method: clinical testing. Allele origin: germline.
Comment: This sequence change replaces glutamic acid, which is acidic and polar, with valine, which is neutral and non-polar, at codon 2340 of the COL7A1 protein (p.Glu2340Val). This variant is not present in population databases (gnomAD no frequency). This variant has not been reported in the literature in individuals affected with COL7A1-related conditions. Invitae Evidence Modeling of protein sequence and biophysical properties (such as structural, functional, and spatial information, amino acid conservation, physicochemical variation, residue mobility, and thermodynamic stability) has been performed for this missense variant. However, the output from this modeling did not meet the statistical confidence thresholds required to predict the impact of this variant on COL7A1 protein function. In summary, the available evidence is currently insufficient to determine the role of this variant in disease. Therefore, it has been classified as a Variant of Uncertain Significance.

NM_000094.4(COL7A1):c.7019A>T (p.Glu2340Val)

Gene: COL7A1 (collagen type VII alpha 1 chain; minus strand). Cytogenetic location: 3p21.31.
Variant type: single nucleotide variant.
Coding change: c.7019A>T on transcript NM_000094.4 (MANE Select); coding-DNA position 7019, A replaced by T.
Protein change: p.Glu2340Val; replaces glutamic acid 2340 with valine.
Molecular consequence: missense variant.
Genome position (GRCh38, 1-based): chr3:48,572,131, T>A on the plus strand (A>T on the coding strand, the complement: COL7A1 is on the minus strand). VCF-style: chr3-48572131-T-A. GRCh37 (hg19) VCF-style: chr3-48609564-T-A.
Other names: short protein forms E2340V.
Identifiers: ClinVar variation 3696028 (VCV003696028.2).